The following is an entry in ClinVar:

ClinVar aggregate classification (germline): Uncertain significance (1 of 4 stars; one submission).

Conditions:
Charcot-Marie-Tooth disease axonal type 2O. Also called: CHARCOT-MARIE-TOOTH NEUROPATHY, AXONAL, TYPE 2O; CHARCOT-MARIE-TOOTH DISEASE, AXONAL, AUTOSOMAL DOMINANT, TYPE 2O; Charcot-Marie-Tooth Neuropathy Type 2O; Charcot-Marie-Tooth disease, axonal, type 20. Identifiers: Orphanet 284232, MedGen C3280220, MONDO:0013644, OMIM 614228.

Submission:

Labcorp Genetics (formerly Invitae), Labcorp
Classification: Uncertain significance for Charcot-Marie-Tooth disease axonal type 2O. Last evaluated: 2024-02-22. Review status: criteria provided, single submitter. Criteria: Invitae Variant Classification Sherloc (09022015). Collection method: clinical testing. Allele origin: germline.
Comment: This sequence change replaces serine, which is neutral and polar, with glycine, which is neutral and non-polar, at codon 141 of the DYNC1H1 protein (p.Ser141Gly). This variant is not present in population databases (gnomAD no frequency). This variant has not been reported in the literature in individuals affected with DYNC1H1-related conditions. Advanced modeling of protein sequence and biophysical properties (such as structural, functional, and spatial information, amino acid conservation, physicochemical variation, residue mobility, and thermodynamic stability) performed at Invitae indicates that this missense variant is not expected to disrupt DYNC1H1 protein function with a negative predictive value of 95%. In summary, the available evidence is currently insufficient to determine the role of this variant in disease. Therefore, it has been classified as a Variant of Uncertain Significance.

NM_001376.5(DYNC1H1):c.421A>G (p.Ser141Gly)

Gene: DYNC1H1 (dynein cytoplasmic 1 heavy chain 1; plus strand). Cytogenetic location: 14q32.31.
Variant type: single nucleotide variant.
Coding change: c.421A>G on transcript NM_001376.5 (MANE Select); coding-DNA position 421, A replaced by G.
Protein change: p.Ser141Gly; replaces serine 141 with glycine.
Molecular consequence: missense variant.
Genome position (GRCh38, 1-based): chr14:101,979,395, A>G. VCF-style: chr14-101979395-A-G. GRCh37 (hg19) VCF-style: chr14-102445732-A-G.
Other names: short protein forms S141G.
Identifiers: ClinVar variation 3697682 (VCV003697682.2).